The following is an entry in ClinVar:

ClinVar aggregate classification (germline): Uncertain significance (1 of 4 stars; one submission).

Allele frequency attached by ClinVar (database versions not stated): gnomAD exomes below 0.00001.
gnomAD v4.1: 1 of 1,613,662 alleles (0.000062%); no homozygotes.

Submission:

Labcorp Genetics (formerly Invitae), Labcorp
Classification: Uncertain significance. Last evaluated: 2021-03-29. Review status: criteria provided, single submitter. Criteria: Invitae Variant Classification Sherloc (09022015). Collection method: clinical testing. Allele origin: germline.
Comment: In summary, the available evidence is currently insufficient to determine the role of this variant in disease. Therefore, it has been classified as a Variant of Uncertain Significance. Experimental studies and prediction algorithms are not available or were not evaluated, and the functional significance of this variant is currently unknown. This sequence change replaces isoleucine with phenylalanine at codon 125 of the ARMC9 protein (p.Ile125Phe). The isoleucine residue is moderately conserved and there is a small physicochemical difference between isoleucine and phenylalanine. This variant is not present in population databases (ExAC no frequency). This variant has not been reported in the literature in individuals with ARMC9-related conditions.

NM_001352754.2(ARMC9):c.373A>T (p.Ile125Phe)

Gene: ARMC9 (armadillo repeat containing 9; plus strand). Cytogenetic location: 2q37.1.
Variant type: single nucleotide variant.
Coding change: c.373A>T on transcript NM_001352754.2 (MANE Select); coding-DNA position 373, A replaced by T.
Protein change: p.Ile125Phe; replaces isoleucine 125 with phenylalanine.
Molecular consequence: missense variant. On other transcripts: non-coding transcript variant (1).
Genome position (GRCh38, 1-based): chr2:231,216,662, A>T. VCF-style: chr2-231216662-A-T. GRCh37 (hg19) VCF-style: chr2-232081375-A-T.
Other names: c.373A>T, p.Ile125Phe (NM_001271466.4, NM_001291656.2, NM_001352755.2 and 5 more transcripts); short protein forms I125F.
Identifiers: ClinVar variation 1369677 (VCV001369677.5), dbSNP rs1172299192, ClinGen allele CA350946912.